The following is an entry in ClinVar:

ClinVar aggregate classification (germline): Uncertain significance (1 of 4 stars; one submission).

Conditions:
Muscular dystrophy-dystroglycanopathy (congenital with brain and eye anomalies), type a, 8 (MDDGA8). Also called: WALKER-WARBURG SYNDROME OR MUSCLE-EYE-BRAIN DISEASE, GTDC2-RELATED. Identifiers: Orphanet 899, MedGen C3553813, MONDO:0013904, OMIM 614830.

Allele frequency attached by ClinVar (database versions not stated): TOPMed below 0.00001; gnomAD 0.00001; ExAC 0.00002; gnomAD exomes 0.00002 and 0.00005.

Submission:

Labcorp Genetics (formerly Invitae), Labcorp
Classification: Uncertain significance for Muscular dystrophy-dystroglycanopathy (congenital with brain and eye anomalies), type a, 8. Last evaluated: 2024-01-02. Review status: criteria provided, single submitter. Criteria: Invitae Variant Classification Sherloc (09022015). Collection method: clinical testing. Allele origin: germline.
Comment: This sequence change replaces arginine, which is basic and polar, with glutamine, which is neutral and polar, at codon 445 of the POMGNT2 protein (p.Arg445Gln). This variant is present in population databases (rs756644394, gnomAD 0.06%). This variant has not been reported in the literature in individuals affected with POMGNT2-related conditions. ClinVar contains an entry for this variant (Variation ID: 1390754). Advanced modeling of protein sequence and biophysical properties (such as structural, functional, and spatial information, amino acid conservation, physicochemical variation, residue mobility, and thermodynamic stability) has been performed at Invitae for this missense variant, however the output from this modeling did not meet the statistical confidence thresholds required to predict the impact of this variant on POMGNT2 protein function. In summary, the available evidence is currently insufficient to determine the role of this variant in disease. Therefore, it has been classified as a Variant of Uncertain Significance.

NM_032806.6(POMGNT2):c.1334G>A (p.Arg445Gln)

Gene: POMGNT2 (protein O-linked mannose N-acetylglucosaminyltransferase 2 (beta 1,4-); minus strand). Cytogenetic location: 3p22.1.
Variant type: single nucleotide variant.
Coding change: c.1334G>A on transcript NM_032806.6 (MANE Select); coding-DNA position 1334, G replaced by A.
Protein change: p.Arg445Gln; replaces arginine 445 with glutamine.
Molecular consequence: missense variant.
Genome position (GRCh38, 1-based): chr3:43,080,098, C>T on the plus strand (G>A on the coding strand, the complement: POMGNT2 is on the minus strand). VCF-style: chr3-43080098-C-T. GRCh37 (hg19) VCF-style: chr3-43121590-C-T.
Other names: short protein forms R445Q.
Identifiers: ClinVar variation 1390754 (VCV001390754.6), dbSNP rs756644394, ClinGen allele CA2339873.